The following is an entry in ClinVar:

ClinVar aggregate classification (germline): Uncertain significance (0 of 4 stars; one submission).

Conditions:
PLXNA1-related disorder. Also called: PLXNA1-related condition.

gnomAD v4.1: 30 of 1,608,130 alleles (0.0019%); highest among the groups gnomAD compares: Non-Finnish European, 0.0024%; no homozygotes.

Submission:

PreventionGenetics, part of Exact Sciences
Classification: Uncertain significance for PLXNA1-related condition. Last evaluated: 2024-07-08. Review status: no assertion criteria provided. Collection method: clinical testing. Allele origin: germline.
Comment: The PLXNA1 c.1408C>T variant is predicted to result in the amino acid substitution p.Arg470Trp. To our knowledge, this variant has not been reported in the literature. This variant is reported in 0.0033% of alleles in individuals of South Asian descent in gnomAD. At this time, the clinical significance of this variant is uncertain due to the absence of conclusive functional and genetic evidence.

NM_032242.4(PLXNA1):c.1408C>T (p.Arg470Trp)

Gene: PLXNA1 (plexin A1; plus strand). Cytogenetic location: 3q21.3.
Variant type: single nucleotide variant.
Coding change: c.1408C>T on transcript NM_032242.4 (MANE Select); coding-DNA position 1408, C replaced by T.
Protein change: p.Arg470Trp; replaces arginine 470 with tryptophan.
Molecular consequence: missense variant.
Genome position (GRCh38, 1-based): chr3:127,003,360, C>T. VCF-style: chr3-127003360-C-T. GRCh37 (hg19) VCF-style: chr3-126722203-C-T.
Other names: short protein forms R470W.
Identifiers: ClinVar variation 3355062 (VCV003355062.1).
Genomic context (GRCh38, chr3:127,003,360, plus strand): 5'-AGCTCCAGTTAGGGCCCCTTGCTGCCGCAGATCCTGGTGGACCTCTCAAACCCCGGTGGC[C>T]GGCCTGCCCTGGCCTACGAGAGCGTCGTGGCCCAGGAGGGCAGCCCCATCCTGCGAGACC-3'
Protein context (NP_115618.3, residues 460-480): ILVDLSNPGG[Arg470Trp]PALAYESVVA